The following is an entry in ClinVar:

ClinVar aggregate classification (germline): Uncertain significance (1 of 4 stars; one submission).

Submission:

Labcorp Genetics (formerly Invitae), Labcorp
Classification: Uncertain significance. Last evaluated: 2025-02-06. Review status: criteria provided, single submitter. Criteria: Invitae Variant Classification Sherloc (09022015). Collection method: clinical testing. Allele origin: germline.
Comment: This sequence change replaces proline, which is neutral and non-polar, with glutamine, which is neutral and polar, at codon 229 of the RP1 protein (p.Pro229Gln). This variant is not present in population databases (gnomAD no frequency). This variant has not been reported in the literature in individuals affected with RP1-related conditions. An algorithm developed to predict the effect of missense changes on protein structure and function (PolyPhen-2) suggests that this variant is likely to be disruptive. In summary, the available evidence is currently insufficient to determine the role of this variant in disease. Therefore, it has been classified as a Variant of Uncertain Significance.

NM_006269.2(RP1):c.686C>A (p.Pro229Gln)

Gene: RP1 (RP1 axonemal microtubule associated; plus strand). Cytogenetic location: 8q12.1.
Variant type: single nucleotide variant.
Coding change: c.686C>A on transcript NM_006269.2 (MANE Select); coding-DNA position 686, C replaced by A.
Protein change: p.Pro229Gln; replaces proline 229 with glutamine.
Molecular consequence: missense variant.
Genome position (GRCh38, 1-based): chr8:54,622,187, C>A. VCF-style: chr8-54622187-C-A. GRCh37 (hg19) VCF-style: chr8-55534747-C-A.
Other names: c.686C>A, p.Pro229Gln (NM_001375654.1); short protein forms P229Q.
Identifiers: ClinVar variation 4711792 (VCV004711792.1).